The following is an entry in ClinVar:

ClinVar aggregate classification (germline): Uncertain significance. Review status: criteria provided, multiple submitters, no conflicts (2 of 4 stars). 4 submissions from 4 submitters: Uncertain significance (3). 1 of the submissions does not count toward it. Last evaluated 2026-01-26.

Conditions:
CRB1-related disorder. Also called: CRB1-related disorders; CRB1-related condition.
Leber congenital amaurosis (LCA). Also called: Leber's amaurosis. Identifiers: Orphanet 65, MedGen C0339527, MeSH D057130, MONDO:0018998.
Leber congenital amaurosis 8 (LCA8). Identifiers: Orphanet 65, MedGen C3151202, MONDO:0013453, OMIM 613835.
Retinitis pigmentosa 12 (RP12). Also called: RP WITH OR WITHOUT PPRPE; RP WITH OR WITHOUT PRESERVED PARAARTERIOLE RETINAL PIGMENT EPITHELIUM; RETINITIS PIGMENTOSA WITH OR WITHOUT PARAARTERIOLAR PRESERVATION OF RETINAL PIGMENT EPITHELIUM. Identifiers: Orphanet 791, MedGen C1838647, MONDO:0010818, OMIM 600105.

Allele frequency attached by ClinVar (database versions not stated): TOPMed 0.00001; ExAC 0.00003; gnomAD 0.00003 and 0.00004; gnomAD exomes 0.00003.
gnomAD v4.1: 40 of 1,613,752 alleles (0.0025%); highest among the groups gnomAD compares: Non-Finnish European, 0.0029%; no homozygotes.

Submissions (4):

PreventionGenetics, part of Exact Sciences
Classification: Uncertain significance for CRB1-related condition. Last evaluated: 2026-01-26. Review status: criteria provided, single submitter. Criteria: ACMG Guidelines, 2015. Collection method: clinical testing. Allele origin: germline.
Comment: The CRB1 c.4169G>A variant is predicted to result in the amino acid substitution p.Arg1390Gln. To our knowledge, this variant has not been reported in the literature. This variant is reported in 0.012% of alleles in individuals of European (Finnish) descent in gnomAD. At this time, the clinical significance of this variant is uncertain due to the absence of conclusive functional and genetic evidence.

Blueprint Genetics
Classification: Uncertain significance. Last evaluated: 2024-10-16. Review status: criteria provided, single submitter. Criteria: ACMG Guidelines, 2015. Collection method: clinical testing. Allele origin: germline.

Labcorp Genetics (formerly Invitae), Labcorp
Classification: Uncertain significance for Leber congenital amaurosis 8; Retinitis pigmentosa 12. Last evaluated: 2022-10-17. Review status: criteria provided, single submitter. Criteria: Invitae Variant Classification Sherloc (09022015). Collection method: clinical testing. Allele origin: germline.
Comment: This sequence change replaces arginine, which is basic and polar, with glutamine, which is neutral and polar, at codon 1390 of the CRB1 protein (p.Arg1390Gln). This variant is present in population databases (rs764581378, gnomAD 0.01%). This variant has not been reported in the literature in individuals affected with CRB1-related conditions. ClinVar contains an entry for this variant (Variation ID: 1017557). Advanced modeling of protein sequence and biophysical properties (such as structural, functional, and spatial information, amino acid conservation, physicochemical variation, residue mobility, and thermodynamic stability) performed at Invitae indicates that this missense variant is expected to disrupt CRB1 protein function. In summary, the available evidence is currently insufficient to determine the role of this variant in disease. Therefore, it has been classified as a Variant of Uncertain Significance.

Natera, Inc.
Classification: Uncertain significance for Leber congenital amaurosis. Last evaluated: 2020-02-11. Review status: no assertion criteria provided. Collection method: clinical testing. Allele origin: germline. Not counted in ClinVar's aggregate classification.

NM_201253.3(CRB1):c.4169G>A (p.Arg1390Gln)

Gene: CRB1 (crumbs cell polarity complex component 1; plus strand). Cytogenetic location: 1q31.3.
Variant type: single nucleotide variant.
Coding change: c.4169G>A on transcript NM_201253.3 (MANE Select); coding-DNA position 4169, G replaced by A.
Protein change: p.Arg1390Gln; replaces arginine 1390 with glutamine.
Molecular consequence: missense variant. On other transcripts: non-coding transcript variant (2).
Genome position (GRCh38, 1-based): chr1:197,477,827, G>A. VCF-style: chr1-197477827-G-A. GRCh37 (hg19) VCF-style: chr1-197446957-G-A.
Other names: c.3833G>A, p.Arg1278Gln (NM_001193640.2); c.4097G>A, p.Arg1366Gln (NM_001257965.2); c.2561G>A, p.Arg854Gln (NM_001257966.2); c.4169G>A (NM_201253.2); short protein forms R1278Q, R1366Q, R1390Q, R854Q.
Identifiers: ClinVar variation 1017557 (VCV001017557.5), dbSNP rs764581378, ClinGen allele CA1312570.